The following is an entry in ClinVar:

ClinVar aggregate classification (germline): Likely pathogenic (1 of 4 stars; one submission).

Conditions:
Sulfocysteinuria. Identifiers: MedGen C2931746, HP:0032350.

Submission:

Women's Health and Genetics/Laboratory Corporation of America, LabCorp
Classification: Likely pathogenic for Sulfocysteinuria. Last evaluated: 2023-03-10. Review status: criteria provided, single submitter. Criteria: LabCorp Variant Classification Summary - May 2015. Collection method: clinical testing. Allele origin: germline.
Comment: Variant summary: SUOX c.768C>A (p.Tyr256X) results in a premature termination codon, predicted to cause a truncation of the encoded protein or absence of the protein due to nonsense mediated decay, which are commonly known mechanisms for disease. Variants downstream of this position are classified as pathogenic by our laboratory and in ClinVar, and have been reported in affected individuals (e.g. PMIDs: 25758000, 31870341, 12112661, 23994568). The variant was absent in 251472 control chromosomes. To our knowledge, no occurrence of c.768C>A in individuals affected with Sulfite Oxidase Deficiency and no experimental evidence demonstrating its impact on protein function have been reported. No clinical diagnostic laboratories have submitted clinical-significance assessments for this variant to ClinVar after 2014. Based on the evidence outlined above, the variant was classified as likely pathogenic.

NM_001032386.2(SUOX):c.768C>A (p.Tyr256Ter)

Gene: SUOX (sulfite oxidase; plus strand). Cytogenetic location: 12q13.2.
Variant type: single nucleotide variant.
Coding change: c.768C>A on transcript NM_001032386.2 (MANE Select); coding-DNA position 768, C replaced by A.
Protein change: p.Tyr256Ter; replaces tyrosine 256 with a stop codon.
Molecular consequence: nonsense.
Genome position (GRCh38, 1-based): chr12:56,004,157, C>A. VCF-style: chr12-56004157-C-A. GRCh37 (hg19) VCF-style: chr12-56397941-C-A.
Other names: c.768C>A, p.Tyr256Ter (NM_000456.3, NM_001032387.2); short protein forms Y256*.
Identifiers: ClinVar variation 2501079 (VCV002501079.1), dbSNP rs781351306, ClinGen allele CA385287488.